The following is an entry in ClinVar:

ClinVar aggregate classification (germline): Pathogenic. Review status: reviewed by expert panel (3 of 4 stars). 6 submissions from 6 submitters: Pathogenic (1). 5 of the submissions do not count toward it. Last evaluated 2025-09-21.

Conditions:
Familial cancer of breast. Also called: Hereditary breast cancer; BREAST CANCER, FAMILIAL; hereditary breast carcinoma. Identifiers: Orphanet 227535, MedGen C0346153, MONDO:0016419, OMIM 114480. Disease mechanism: loss of function.
Ataxia-telangiectasia syndrome (AT). Also called: Ataxia-telangiectasia, complementation group D; AT, COMPLEMENTATION GROUP C; ATAXIA-TELANGIECTASIA, COMPLEMENTATION GROUP A; LOUIS-BAR SYNDROME; Cerebello-oculocutaneous telangiectasia; Immunodeficiency with ataxia telangiectasia. Identifiers: Orphanet 100, MedGen C0004135, MONDO:0008840, OMIM 208900.
ATM-related cancer predisposition. Also called: ATM-related cancer susceptibility. Identifiers: MedGen CN377759, MONDO:0700270.
Hereditary cancer-predisposing syndrome. Also called: Neoplastic Syndromes, Hereditary; Hereditary neoplastic syndrome; Tumor predisposition; Hereditary Cancer Syndrome. Identifiers: Orphanet 140162, MedGen C0027672, MeSH D009386, MONDO:0015356.

Submissions (6):

ClinGen Hereditary Breast, Ovarian and Pancreatic Cancer Variant Curation Expert Panel, ClinGen
Classification: Pathogenic for ATM-related cancer predisposition. Last evaluated: 2025-09-21. Review status: reviewed by expert panel. Criteria: ClinGen HBOP ACMG Specifications ATM V1.3.0. Collection method: curation. Allele origin: germline. Inheritance: Autosomal dominant inheritance.
Comment: The c.5681_5682del (p.Glu1894Alafs*9) variant in ATM is a frameshift variant in a biologically-relevant-exon predicted to cause a premature stop codon leading to nonsense mediated decay in a gene in which loss-of-function is an established disease mechanism. This alteration results in a termination codon upstream of the most C-terminus pathogenic alteration (ATM p.Arg3047*), as classified by the HBOP VCEP, and is expected to be more deleterious. This variant has been detected in at least one individual with Ataxia-Telangiectasia (PMID: 26896183). The filtering allele frequency (the upper threshold of the 95% CI of 2/1179252) of the c.5681_5682del variant in ATM is 0.0000002800 for European (non-Finnish) chromosomes by gnomAD v4.1.0, which is lower than the HBOP VCEP threshold (<0.00001) for PM2_Supporting, and therefore meets this criterion. In summary, this variant meets the criteria to be classified as pathogenic for autosomal dominant ATM-related cancer predisposition and autosomal recessive Ataxia-Telangiectasia based on the ACMG/AMP criteria applied as specified by the HBOP VCEP. (PVS1, PM5_Supporting, PM3, PM2_Supporting)

Labcorp Genetics (formerly Invitae), Labcorp
Classification: Pathogenic for Ataxia-telangiectasia syndrome. Last evaluated: 2025-10-23. Review status: criteria provided, single submitter. Criteria: Invitae Variant Classification Sherloc (09022015). Collection method: clinical testing. Allele origin: germline. Not counted in ClinVar's aggregate classification.
Comment: This sequence change creates a premature translational stop signal (p.Glu1894Alafs*9) in the ATM gene. It is expected to result in an absent or disrupted protein product. Loss-of-function variants in ATM are known to be pathogenic (PMID: 23807571, 25614872). This variant is not present in population databases (gnomAD no frequency). This variant has not been reported in the literature in individuals affected with ATM-related conditions. ClinVar contains an entry for this variant (Variation ID: 407525). For these reasons, this variant has been classified as Pathogenic.

Ambry Genetics
Classification: Pathogenic for Hereditary cancer-predisposing syndrome. Last evaluated: 2024-11-26. Review status: criteria provided, single submitter. Criteria: Ambry Variant Classification Scheme 2023. Collection method: clinical testing. Allele origin: germline. Not counted in ClinVar's aggregate classification.
Comment: The c.5681_5682delAG pathogenic mutation, located in coding exon 37 of the ATM gene, results from a deletion of two nucleotides at nucleotide positions 5681 to 5682, causing a translational frameshift with a predicted alternate stop codon (p.E1894Afs*9). This alteration was identified in a patient with ataxia-telangiectasia in conjunction with another ATM mutation, c.748C>T (p.R250*) (Jackson TJ et al. Dev Med Child Neurol. 2016 07;58:690-7). This variant is considered to be rare based on population cohorts in the Genome Aggregation Database (gnomAD). In addition to the clinical data presented in the literature, this alteration is expected to result in loss of function by premature protein truncation or nonsense-mediated mRNA decay. As such, this alteration is interpreted as a disease-causing mutation.

Quest Diagnostics Nichols Institute San Juan Capistrano
Classification: Likely pathogenic. Last evaluated: 2024-05-20. Review status: criteria provided, single submitter. Criteria: Quest Diagnostics criteria. Collection method: clinical testing. Allele origin: unknown. Not counted in ClinVar's aggregate classification.
Comment: The ATM c.5681_5682del (p.Glu1894Alafs*9) variant alters the translational reading frame of the ATM mRNA and causes the premature termination of ATM protein synthesis. This variant has been reported in the published literature in an individual with ataxia-telangiectasia (A-T) who also carries a pathogenic ATM variant (PMID: 26896183 (2016)). To the best of our knowledge, this variant has not been reported in individuals with breast and/or ovarian cancer. This variant has not been reported in large, multi-ethnic general populations (Genome Aggregation Database). Based on the available information, this variant is classified as likely pathogenic.

Fulgent Genetics
Classification: Pathogenic for Familial cancer of breast; Ataxia-telangiectasia syndrome. Last evaluated: 2024-04-16. Review status: criteria provided, single submitter. Criteria: ACMG Guidelines, 2015. Collection method: clinical testing. Allele origin: germline. Not counted in ClinVar's aggregate classification.

Myriad Genetics, Inc.
Classification: Pathogenic for Familial cancer of breast. Last evaluated: 2024-01-25. Review status: criteria provided, single submitter. Criteria: Myriad Autosomal Dominant, Autosomal Recessive and X-Linked Classification Criteria (2023). Collection method: clinical testing. Allele origin: unknown. Not counted in ClinVar's aggregate classification.
Comment: This variant is considered pathogenic. This variant creates a frameshift predicted to result in premature protein truncation.

Literature cited by the submitters: PubMed 23807571 (cited by Labcorp Genetics (formerly Invitae), Labcorp); PubMed 25614872 (cited by Labcorp Genetics (formerly Invitae), Labcorp); PubMed 26896183 (cited by Ambry Genetics and Quest Diagnostics Nichols Institute San Juan Capistrano).

NM_000051.4(ATM):c.5681_5682del (p.Glu1894fs)

Gene: ATM (ATM serine/threonine kinase; plus strand). Cytogenetic location: 11q22.3.
Variant type: Microsatellite.
Coding change: c.5681_5682del on transcript NM_000051.4 (MANE Select); coding-DNA positions 5681 to 5682, 2 bases deleted (AG; older notation c.5681_5682delAG).
Protein change: p.Glu1894fs; shifts the reading frame from glutamic acid 1894.
Molecular consequence: frameshift variant.
Genome position (GRCh38, 1-based): chr11:108,307,903-108,307,904, AG deleted; deleting any 2 consecutive bases within chr11:108,307,901-108,307,904 gives the same sequence; the c. name uses the placement nearest the transcript's 3' end. VCF-style (leftmost placement, unchanged base first): chr11-108307900-CAG-C. GRCh37 (hg19) VCF-style: chr11-108178627-CAG-C.
Other names: NM_000051.4(ATM):c.5681_5682del; p.Glu1894fs; c.5681_5682del, p.Glu1894fs (NM_001351834.2); c.5681_5682delAG (NM_000051.3); short protein forms E1894fs.
Identifiers: ClinVar variation 407525 (VCV000407525.18), dbSNP rs1060501580, ClinGen allele CA16613385.